The following is an entry in ClinVar:

ClinVar aggregate classification (germline): Pathogenic (1 of 4 stars; one submission).

Conditions:
VPS13A-related neurodegenerative disease. Also called: ACANTHOCYTOSIS WITH NEUROLOGIC DISORDER; LEVINE-CRITCHLEY SYNDROME; Choreoacanthocytosis; Chorea-acanthocytosis; Choreaacanthocytosis; VPS13A Disease. Identifiers: Orphanet 2388, MedGen C0393576, MONDO:0008695, OMIM 200150.

Submission:

Myriad Genetics, Inc.
Classification: Pathogenic for VPS13A-related neurodegenerative disease. Last evaluated: 2024-06-12. Review status: criteria provided, single submitter. Criteria: Myriad Autosomal Dominant, Autosomal Recessive and X-Linked Classification Criteria (2023). Collection method: clinical testing. Allele origin: unknown.
Comment: NM_033305.2(VPS13A):c.2687delA(H896Pfs*11) is expected to be pathogenic in the context of VPS13A disease. This variant is predicted to lead to an abnormal or absent protein product due to the creation of a premature termination codon in VPS13A, a gene where loss-of-function variants are known to be pathogenic. Please note: this variant was assessed in the context of healthy population screening.

NM_033305.3(VPS13A):c.2687del (p.His896fs)

Gene: VPS13A (vacuolar protein sorting 13 homolog A; plus strand). Cytogenetic location: 9q21.2.
Variant type: Deletion.
Coding change: c.2687del on transcript NM_033305.3 (MANE Select); coding-DNA position 2687, one base deleted (A; older notation c.2687delA).
Protein change: p.His896fs; shifts the reading frame from histidine 896.
Molecular consequence: frameshift variant.
Genome position (GRCh38, 1-based): chr9:77,276,084, A deleted. VCF-style (leftmost placement, unchanged base first): chr9-77276083-CA-C. GRCh37 (hg19) VCF-style: chr9-79890999-CA-C.
Other names: c.2687del, p.His896fs (NM_001018037.2, NM_001018038.3, NM_015186.4); short protein forms H896fs.
Identifiers: ClinVar variation 5013170 (VCV005013170.1).
Genomic context (GRCh38, chr9:77,276,083, plus strand): 5'-TTGTTTTATGTAGTGGTAATTTCTTTTTTCTTTCTTCTCCAGGTTTTGATCGAGTTTTAT[CA>C]CCTTGTTGGAGATTGTGAACTATCTGTGGTAGAAATTCTTGTTTTAGGATTGGGTGCAGA-3'